The following is an entry in ClinVar:

NM_015164.4(PLEKHM2):c.1613C>T (p.Pro538Leu)

Gene: PLEKHM2 (pleckstrin homology and RUN domain containing M2; plus strand). Cytogenetic location: 1p36.21.
Variant type: single nucleotide variant.
Coding change: c.1613C>T on transcript NM_015164.4 (MANE Select); coding-DNA position 1613, C replaced by T.
Protein change: p.Pro538Leu; replaces proline 538 with leucine.
Molecular consequence: missense variant.
Genome position (GRCh38, 1-based): chr1:15,727,685, C>T. VCF-style: chr1-15727685-C-T. GRCh37 (hg19) VCF-style: chr1-16054180-C-T.
Other names: c.1553C>T, p.Pro518Leu (NM_001410755.1); short protein forms P518L, P538L.
Identifiers: ClinVar variation 3215145 (VCV003215145.3), dbSNP rs927240759, ClinGen allele CA18300207.

ClinVar aggregate classification (germline): Uncertain significance. Review status: criteria provided, multiple submitters, no conflicts (2 of 4 stars). 2 submissions from 2 submitters: Uncertain significance (2). Last evaluated 2024-09-23.

Allele frequency attached by ClinVar (database versions not stated): gnomAD exomes 0.00002.
gnomAD v4.1: 32 of 1,594,822 alleles (0.002%); highest among the groups gnomAD compares: East Asian, 0.073%; 1 homozygote.

Submissions (2):

Labcorp Genetics (formerly Invitae), Labcorp
Classification: Uncertain significance. Last evaluated: 2024-09-23. Review status: criteria provided, single submitter. Criteria: Invitae Variant Classification Sherloc (09022015). Collection method: clinical testing. Allele origin: germline.
Comment: This sequence change replaces proline, which is neutral and non-polar, with leucine, which is neutral and non-polar, at codon 538 of the PLEKHM2 protein (p.Pro538Leu). This variant is not present in population databases (gnomAD no frequency). This variant has not been reported in the literature in individuals affected with PLEKHM2-related conditions. An algorithm developed to predict the effect of missense changes on protein structure and function outputs the following: PolyPhen-2: "Benign". The leucine amino acid residue is found in multiple mammalian species, which suggests that this missense change does not adversely affect protein function. In summary, the available evidence is currently insufficient to determine the role of this variant in disease. Therefore, it has been classified as a Variant of Uncertain Significance.

Ambry Genetics
Classification: Uncertain significance. Last evaluated: 2023-10-10. Review status: criteria provided, single submitter. Criteria: Ambry Variant Classification Scheme 2023. Collection method: clinical testing. Allele origin: germline.